The following is an entry in ClinVar:

NM_014639.4(SKIC3):c.518A>G (p.Asp173Gly)

Gene: SKIC3 (SKI3 subunit of superkiller complex; minus strand). Cytogenetic location: 5q15.
Variant type: single nucleotide variant.
Coding change: c.518A>G on transcript NM_014639.4 (MANE Select); coding-DNA position 518, A replaced by G.
Protein change: p.Asp173Gly; replaces aspartic acid 173 with glycine.
Molecular consequence: missense variant.
Genome position (GRCh38, 1-based): chr5:95,540,715, T>C on the plus strand (A>G on the coding strand, the complement: SKIC3 is on the minus strand). VCF-style: chr5-95540715-T-C. GRCh37 (hg19) VCF-style: chr5-94876419-T-C.
Other names: short protein forms D173G.
Identifiers: ClinVar variation 4778744 (VCV004778744.1).

ClinVar aggregate classification (germline): Uncertain significance (1 of 4 stars; one submission).

gnomAD v4.1: 1 of 1,614,006 alleles (0.000062%); highest among the groups gnomAD compares: Non-Finnish European, 0.000085%; no homozygotes.

Submission:

Labcorp Genetics (formerly Invitae), Labcorp
Classification: Uncertain significance. Last evaluated: 2025-03-18. Review status: criteria provided, single submitter. Criteria: Invitae Variant Classification Sherloc (09022015). Collection method: clinical testing. Allele origin: germline.
Comment: This sequence change replaces aspartic acid, which is acidic and polar, with glycine, which is neutral and non-polar, at codon 173 of the TTC37 protein (p.Asp173Gly). This variant is not present in population databases (gnomAD no frequency). This variant has not been reported in the literature in individuals affected with TTC37-related conditions. An algorithm developed to predict the effect of missense changes on protein structure and function (PolyPhen-2) suggests that this variant is likely to be tolerated. In summary, the available evidence is currently insufficient to determine the role of this variant in disease. Therefore, it has been classified as a Variant of Uncertain Significance.